The following is an entry in ClinVar:

ClinVar aggregate classification (germline): Uncertain significance (1 of 4 stars; one submission).

Submission:

Ambry Genetics
Classification: Uncertain significance. Last evaluated: 2024-10-18. Review status: criteria provided, single submitter. Criteria: Ambry Variant Classification Scheme 2023. Collection method: clinical testing. Allele origin: germline.
Comment: The p.S1026L variant (also known as c.3077C>T), located in coding exon 4 of the ALPK2 gene, results from a C to T substitution at nucleotide position 3077. The serine at codon 1026 is replaced by leucine, an amino acid with dissimilar properties. This amino acid position is conserved. In addition, the in silico prediction for this alteration is inconclusive. Based on the available evidence, the clinical significance of this variant remains unclear.

NM_052947.4(ALPK2):c.3077C>T (p.Ser1026Leu)

Gene: ALPK2 (alpha kinase 2; minus strand). Cytogenetic location: 18q21.31.
Variant type: single nucleotide variant.
Coding change: c.3077C>T on transcript NM_052947.4 (MANE Select); coding-DNA position 3077, C replaced by T.
Protein change: p.Ser1026Leu; replaces serine 1026 with leucine.
Molecular consequence: missense variant.
Genome position (GRCh38, 1-based): chr18:58,537,110, G>A on the plus strand (C>T on the coding strand, the complement: ALPK2 is on the minus strand). VCF-style: chr18-58537110-G-A. GRCh37 (hg19) VCF-style: chr18-56204342-G-A.
Other names: short protein forms S1026L.
Identifiers: ClinVar variation 3531767 (VCV003531767.1).